The following is an entry in ClinVar:

NM_000297.4(PKD2):c.1322dup (p.Leu441fs)

Gene: PKD2 (polycystin 2, transient receptor potential cation channel; plus strand). Cytogenetic location: 4q22.1.
Variant type: Duplication.
Coding change: c.1322dup on transcript NM_000297.4 (MANE Select); coding-DNA position 1322, one base duplicated (T; older notation c.1322dupT).
Protein change: p.Leu441fs; shifts the reading frame from leucine 441.
Molecular consequence: frameshift variant. On other transcripts: non-coding transcript variant (1).
Genome position (GRCh38, 1-based): chr4:88,046,644, T duplicated; the last of 2 consecutive T bases (chr4:88,046,643-88,046,644); duplicating either gives the same sequence. VCF-style (leftmost placement, unchanged base first): chr4-88046642-G-GT. GRCh37 (hg19) VCF-style: chr4-88967794-G-GT.
Other names: short protein forms L441fs.
Identifiers: ClinVar variation 997173 (VCV000997173.1), dbSNP rs1727782355, ClinGen allele CA1474579548.
Genomic context (GRCh38, chr4:88,046,642, plus strand): 5'-TCCTGGCTGTATTCATGTGTTGTTGTTGTTATTGTTTTAATTGTTCTTATTTACATGCAG[G>GT]TTATTGGTTGAATTCCCAGCAACAGGTGGTGTGATTCCATCTTGGCAATTTCAGCCTTTA-3'

ClinVar aggregate classification (germline): Pathogenic (0 of 4 stars; one submission).

Conditions:
Polycystic kidney disease. Also called: Polycystic kidney dysplasia; Kidney, Polycystic. Identifiers: MedGen C0022680, MeSH D007690, MONDO:0020642, HP:0000113.

Submission:

Department of Pathology and Laboratory Medicine, Sinai Health System
Classification: Pathogenic for Polycystic Kidney disease. Review status: no assertion criteria provided. Collection method: clinical testing. Allele origin: unknown. Affected: yes. Study: The Canadian Open Genetics Repository (COGR).
Comment: The PKD2 p.Leu441Phefs*4 variant was not identified in the literature nor was it identified in the dbSNP, ClinVar, LOVD 3.0, ADPKD Mutation Database, or PKD1-LOVD, databases. The variant was not identified in the following control databases: the Exome Aggregation Consortium (August 8th 2016), or the Genome Aggregation Database (Feb 27, 2017). The c.1322dup variant is predicted to cause a frameshift, which alters the protein amino acid sequence beginning at codon 441 and leads to a premature stop codon at position 444. This alteration is then predicted to result in a truncated or absent protein and loss of function. Loss of function variants of the PKD2 gene are an established mechanism of disease in ADPKD and is the type of variant expected to cause the disorder. In summary, based on the above information this variant meets our laboratoryâ€šÃ„Ã´s criteria to be classified as pathogenic.